The following is an entry in ClinVar:

NM_000222.3(KIT):c.338-4A>G

Gene: KIT (KIT proto-oncogene, receptor tyrosine kinase; plus strand). Cytogenetic location: 4q12.
Variant type: single nucleotide variant.
Coding change: c.338-4A>G on transcript NM_000222.3 (MANE Select); 4 bases into the intron before coding-DNA position 338, A replaced by G.
Molecular consequence: intron variant.
Genome position (GRCh38, 1-based): chr4:54,698,280, A>G. VCF-style: chr4-54698280-A-G. GRCh37 (hg19) VCF-style: chr4-55564446-A-G.
Other names: c.338-4A>G (NM_001385284.1, NM_001385290.1, NM_001385288.1 and 4 more transcripts).
Identifiers: ClinVar variation 458942 (VCV000458942.14), dbSNP rs878853766, ClinGen allele CA551651611.

ClinVar aggregate classification (germline): Likely benign. Review status: criteria provided, multiple submitters, no conflicts (2 of 4 stars). 3 submissions from 3 submitters: Likely benign (3). Last evaluated 2026-05-26.

Conditions:
Gastrointestinal stromal tumor. Also called: Gastrointestinal stroma tumor; Gastrointestinal stromal tumor, somatic. Identifiers: Orphanet 44890, MedGen C0238198, MeSH D046152, MONDO:0011719, OMIM 606764, HP:0100723.
Hereditary cancer-predisposing syndrome. Also called: Tumor predisposition; Hereditary neoplastic syndrome; Neoplastic Syndromes, Hereditary; Hereditary Cancer Syndrome. Identifiers: Orphanet 140162, MedGen C0027672, MeSH D009386, MONDO:0015356.

Allele frequency attached by ClinVar (database versions not stated): gnomAD exomes below 0.00001; gnomAD 0.00001.
gnomAD v4.1: 7 of 1,613,176 alleles (0.00043%); highest among the groups gnomAD compares: East Asian, 0.0022%; no homozygotes.

Submissions (3):

Myriad Genetics, Inc.
Classification: Likely benign for Gastrointestinal stromal tumor. Last evaluated: 2026-05-26. Review status: criteria provided, single submitter. Criteria: Myriad Autosomal Dominant, Autosomal Recessive and X-Linked Classification Criteria (2023). Collection method: clinical testing. Allele origin: unknown.
Comment: This variant is considered likely benign. This variant is intronic and is not expected to impact mRNA splicing.

Labcorp Genetics (formerly Invitae), Labcorp
Classification: Likely benign for Gastrointestinal stromal tumor. Last evaluated: 2025-11-02. Review status: criteria provided, single submitter. Criteria: Invitae Variant Classification Sherloc (09022015). Collection method: clinical testing. Allele origin: germline.

Ambry Genetics
Classification: Likely benign for Hereditary cancer-predisposing syndrome. Last evaluated: 2025-01-08. Review status: criteria provided, single submitter. Criteria: Ambry Variant Classification Scheme 2023. Collection method: clinical testing. Allele origin: germline.